The following is an entry in ClinVar:

ClinVar aggregate classification (germline): Conflicting classifications of pathogenicity. Review status: criteria provided, conflicting classifications (1 of 4 stars). 6 submissions from 6 submitters: Uncertain significance (4); Likely benign (2). Last evaluated 2024-09-20.

Conditions:
Hydrocephalus, nonsyndromic, autosomal recessive 2. Also called: Hydrocephalus, congenital, 2, with or without brain or eye anomalies. Identifiers: Orphanet 2185, MedGen C3554691, MONDO:0014085, OMIM 615219.
Inborn genetic diseases. Identifiers: MedGen C0950123, MeSH D030342.

Allele frequency attached by ClinVar (database versions not stated): gnomAD exomes 0.00002 and 0.00007; ExAC 0.00003; gnomAD 0.00007 and 0.00008; TOPMed 0.00007.
gnomAD v4.1: 78 of 1,613,498 alleles (0.0048%); highest among the groups gnomAD compares: East Asian, 0.082%; no homozygotes.

Submissions (6):

3billion
Classification: Likely benign for Hydrocephalus, nonsyndromic, autosomal recessive 2. Last evaluated: 2024-09-20. Review status: criteria provided, single submitter. Criteria: ACMG Guidelines, 2015. Collection method: clinical testing. Allele origin: germline. Affected: no.
Comment: The homozygous variant was found in patients diagnosed with another variant in a different gene, with no symptoms related to the gene containing the homozygous variant.

Blueprint Genetics
Classification: Likely benign. Last evaluated: 2024-05-30. Review status: criteria provided, single submitter. Criteria: ACMG Guidelines, 2015. Collection method: clinical testing. Allele origin: germline.

Labcorp Genetics (formerly Invitae), Labcorp
Classification: Uncertain significance. Last evaluated: 2022-08-23. Review status: criteria provided, single submitter. Criteria: Invitae Variant Classification Sherloc (09022015). Collection method: clinical testing. Allele origin: germline.
Comment: This sequence change replaces glutamic acid, which is acidic and polar, with alanine, which is neutral and non-polar, at codon 1893 of the MPDZ protein (p.Glu1893Ala). This variant is present in population databases (rs372346014, gnomAD 0.1%). This variant has not been reported in the literature in individuals affected with MPDZ-related conditions. ClinVar contains an entry for this variant (Variation ID: 1304062). Algorithms developed to predict the effect of missense changes on protein structure and function (SIFT, PolyPhen-2, Align-GVGD) all suggest that this variant is likely to be disruptive. In summary, the available evidence is currently insufficient to determine the role of this variant in disease. Therefore, it has been classified as a Variant of Uncertain Significance.

Ambry Genetics
Classification: Uncertain significance for Inborn genetic diseases. Last evaluated: 2021-10-27. Review status: criteria provided, single submitter. Criteria: Ambry Variant Classification Scheme 2023. Collection method: clinical testing. Allele origin: germline.

GeneDx
Classification: Uncertain significance. Last evaluated: 2018-08-07. Review status: criteria provided, single submitter. Criteria: GeneDx Variant Classification Process June 2021. Collection method: clinical testing. Allele origin: germline. Affected: yes.
Comment: In silico analysis supports that this missense variant has a deleterious effect on protein structure/function; Has not been previously published as pathogenic or benign to our knowledge

ARUP Laboratories, Molecular Genetics and Genomics, ARUP Laboratories
Classification: Uncertain significance for Hydrocephalus, nonsyndromic, autosomal recessive 2. Review status: criteria provided, single submitter. Criteria: ARUP Molecular Germline Variant Investigation Process 2024. Collection method: clinical testing. Allele origin: germline.

NM_001378778.1(MPDZ):c.5765A>C (p.Glu1922Ala)

Gene: MPDZ (multiple PDZ domain crumbs cell polarity complex component; minus strand). Cytogenetic location: 9p23.
Variant type: single nucleotide variant.
Coding change: c.5765A>C on transcript NM_001378778.1 (MANE Select); coding-DNA position 5765, A replaced by C.
Protein change: p.Glu1922Ala; replaces glutamic acid 1922 with alanine.
Molecular consequence: missense variant.
Genome position (GRCh38, 1-based): chr9:13,110,700, T>G on the plus strand (A>C on the coding strand, the complement: MPDZ is on the minus strand). VCF-style: chr9-13110700-T-G. GRCh37 (hg19) VCF-style: chr9-13110699-T-G.
Other names: c.5666A>C, p.Glu1889Ala (NM_001261406.2, NM_001375416.1, NM_001375417.1 and 1 more transcripts); c.5579A>C, p.Glu1860Ala (NM_001261407.2, NM_001375419.1); c.5765A>C, p.Glu1922Ala (NM_001330637.2); c.5864A>C, p.Glu1955Ala (NM_001375413.1); c.5555A>C, p.Glu1852Ala (NM_001375420.1, NM_001375421.1, NM_001375422.1 and 2 more transcripts); c.5468A>C, p.Glu1823Ala (NM_001375425.1, NM_001375426.1); c.5357A>C, p.Glu1786Ala (NM_001375427.1); c.5678A>C, p.Glu1893Ala (NM_003829.5); and 1 more; short protein forms E1786A, E1823A, E1852A, E1860A, E1889A, E1893A, E1922A, E1955A.
Identifiers: ClinVar variation 1304062 (VCV001304062.8), dbSNP rs372346014, ClinGen allele CA4986120.